The following is an entry in ClinVar:

NM_019098.5(CNGB3):c.852+6T>C

Gene: CNGB3 (cyclic nucleotide gated channel subunit beta 3; minus strand). Cytogenetic location: 8q21.3.
Variant type: single nucleotide variant.
Coding change: c.852+6T>C on transcript NM_019098.5 (MANE Select); 6 bases into the intron after coding-DNA position 852, T replaced by C.
Molecular consequence: intron variant.
Genome position (GRCh38, 1-based): chr8:86,666,919, A>G on the plus strand (T>C on the coding strand, the complement: CNGB3 is on the minus strand). VCF-style: chr8-86666919-A-G. GRCh37 (hg19) VCF-style: chr8-87679147-A-G.
Identifiers: ClinVar variation 1968710 (VCV001968710.2), dbSNP rs2538124418, ClinGen allele CA2580078963.

ClinVar aggregate classification (germline): Uncertain significance (1 of 4 stars; one submission).

Submission:

Labcorp Genetics (formerly Invitae), Labcorp
Classification: Uncertain significance. Last evaluated: 2022-08-21. Review status: criteria provided, single submitter. Criteria: Invitae Variant Classification Sherloc (09022015). Collection method: clinical testing. Allele origin: germline.
Comment: This sequence change falls in intron 6 of the CNGB3 gene. It does not directly change the encoded amino acid sequence of the CNGB3 protein. It affects a nucleotide within the consensus splice site. This variant is not present in population databases (gnomAD no frequency). This variant has not been reported in the literature in individuals affected with CNGB3-related conditions. Variants that disrupt the consensus splice site are a relatively common cause of aberrant splicing (PMID: 17576681, 9536098). Algorithms developed to predict the effect of sequence changes on RNA splicing suggest that this variant may disrupt the consensus splice site. In summary, the available evidence is currently insufficient to determine the role of this variant in disease. Therefore, it has been classified as a Variant of Uncertain Significance.

Literature cited by the submitters: PubMed 17576681; PubMed 9536098.